The following is an entry in ClinVar:

NM_014795.4(ZEB2):c.3142C>T (p.Leu1048Phe)

Gene: ZEB2 (zinc finger E-box binding homeobox 2; minus strand). Cytogenetic location: 2q22.3.
Variant type: single nucleotide variant.
Coding change: c.3142C>T on transcript NM_014795.4 (MANE Select); coding-DNA position 3142, C replaced by T.
Protein change: p.Leu1048Phe; replaces leucine 1048 with phenylalanine.
Molecular consequence: missense variant.
Genome position (GRCh38, 1-based): chr2:144,389,954, G>A on the plus strand (C>T on the coding strand, the complement: ZEB2 is on the minus strand). VCF-style: chr2-144389954-G-A. GRCh37 (hg19) VCF-style: chr2-145147521-G-A.
Other names: c.3070C>T, p.Leu1024Phe (NM_001171653.2); short protein forms L1024F, L1048F.
Identifiers: ClinVar variation 5018824 (VCV005018824.1).

ClinVar aggregate classification (germline): Uncertain significance (1 of 4 stars; one submission).

Conditions:
Mowat-Wilson syndrome (MOWS). Also called: Classic Mowat-Wilson Syndrome. Identifiers: Orphanet 2152, MedGen C1856113, MONDO:0009341, OMIM 235730.

Submission:

Juno Genomics, Hangzhou Juno Genomics, Inc
Classification: Uncertain significance for Mowat-Wilson syndrome. Review status: criteria provided, single submitter. Criteria: ACMG Guidelines, 2015. Collection method: clinical testing. Allele origin: germline. Affected: yes.
Comment: Absent from controls (or at extremely low frequency if recessive) in Genome Aggregation Database.;Missense variant in a gene that has a low rate of benign missense variation.;Located in a mutational hot spot and/or critical and well-established functional domain without benign variation.